The following is an entry in ClinVar:

NM_000159.4(GCDH):c.224G>C (p.Cys75Ser)

Genes: GCDH (glutaryl-CoA dehydrogenase; plus strand), LOC117125594 (CRISPRi-FlowFISH-validated KLF1 regulatory element; plus strand). Cytogenetic location: 19p13.13.
Variant type: single nucleotide variant.
Coding change: c.224G>C on transcript NM_000159.4 (MANE Select); coding-DNA position 224, G replaced by C.
Protein change: p.Cys75Ser; replaces cysteine 75 with serine.
Molecular consequence: missense variant. On other transcripts: non-coding transcript variant (2).
Genome position (GRCh38, 1-based): chr19:12,891,927, G>C. VCF-style: chr19-12891927-G-C. GRCh37 (hg19) VCF-style: chr19-13002741-G-C.
Other names: c.224G>C, p.Cys75Ser (NM_013976.5); short protein forms C75S.
Identifiers: ClinVar variation 1788405 (VCV001788405.2), dbSNP rs1339380692, ClinGen allele CA404315279.
Genomic context (GRCh38, chr19:12,891,927, plus strand): 5'-TGCTGGAGGAGCAGCTGACCACAGATGAGATCCTCATCAGGGACACCTTCCGCACCTACT[G>C]CCAGGAGAGACTCATGCCTCGCATCCTGTTGGCCAATCGCAACGAAGGTGGGCGGGCTGG-3'
Protein context (NP_000150.1, residues 65-85): ILIRDTFRTY[Cys75Ser]QERLMPRILL

ClinVar aggregate classification (germline): Uncertain significance (1 of 4 stars; one submission).

Conditions:
Inborn genetic diseases. Identifiers: MedGen C0950123, MeSH D030342.

Allele frequency attached by ClinVar (database versions not stated): gnomAD exomes below 0.00001; gnomAD 0.00001; TOPMed 0.00001.
gnomAD v4.1: 5 of 1,614,084 alleles (0.00031%); highest among the groups gnomAD compares: Non-Finnish European, 0.00042%; no homozygotes.

Submission:

Ambry Genetics
Classification: Uncertain significance for Inborn genetic diseases. Last evaluated: 2021-08-10. Review status: criteria provided, single submitter. Criteria: Ambry Variant Classification Scheme 2023. Collection method: clinical testing. Allele origin: germline.
Comment: The p.C75S variant (also known as c.224G>C), located in coding exon 3 of the GCDH gene, results from a G to C substitution at nucleotide position 224. The cysteine at codon 75 is replaced by serine, an amino acid with dissimilar properties. This amino acid position is conserved. In addition, this alteration is predicted to be deleterious by in silico analysis. Since supporting evidence is limited at this time, the clinical significance of this alteration remains unclear.